The following is an entry in ClinVar:

NM_016203.4(PRKAG2):c.222A>G (p.Lys74=)

Gene: PRKAG2 (protein kinase AMP-activated non-catalytic subunit gamma 2; minus strand). Cytogenetic location: 7q36.1.
Variant type: single nucleotide variant.
Coding change: c.222A>G on transcript NM_016203.4 (MANE Select); coding-DNA position 222, A replaced by G.
Protein change: p.Lys74=; no amino-acid change (lysine 74 retained).
Molecular consequence: synonymous variant.
Genome position (GRCh38, 1-based): chr7:151,781,396, T>C on the plus strand (A>G on the coding strand, the complement: PRKAG2 is on the minus strand). VCF-style: chr7-151781396-T-C. GRCh37 (hg19) VCF-style: chr7-151478482-T-C.
Other names: c.90A>G, p.Lys30= (NM_001040633.2).
Identifiers: ClinVar variation 513895 (VCV000513895.12), dbSNP rs1265668637, ClinGen allele CA458884040.
Genomic context (GRCh38, chr7:151,781,396, plus strand): 5'-CCTCACAGGTGCAGACATGGGGCTGGAGGGCCGGGGCTGGGGGCCTCTGGAGAAGAACCC[T>C]TTGGAGGGGCTGCCCGGGCCGAAGGGGCTGTCCACCTGCAGAAAAACAGACGAATGGATG-3'
Protein context (NP_057287.2, residues 64-84): DSPFGPGSPS[Lys74=]GFFSRGPQPR

ClinVar aggregate classification (germline): Likely benign. Review status: criteria provided, multiple submitters, no conflicts (2 of 4 stars). 4 submissions from 4 submitters: Likely benign (4). Last evaluated 2025-11-10.

Conditions:
Cardiovascular phenotype. Identifiers: MedGen CN230736.
Lethal congenital glycogen storage disease of heart. Also called: PHOSPHORYLASE KINASE DEFICIENCY OF HEART; GLYCOGEN STORAGE DISEASE OF HEART. Identifiers: Orphanet 439854, MedGen C1849813, MONDO:0009867, OMIM 261740.

Allele frequency attached by ClinVar (database versions not stated): gnomAD exomes 0.00001.
gnomAD v4.1: 7 of 1,611,766 alleles (0.00043%); highest among the groups gnomAD compares: Non-Finnish European, 0.00051%; no homozygotes.

Submissions (4):

Labcorp Genetics (formerly Invitae), Labcorp
Classification: Likely benign for Lethal congenital glycogen storage disease of heart. Last evaluated: 2025-11-10. Review status: criteria provided, single submitter. Criteria: Invitae Variant Classification Sherloc (09022015). Collection method: clinical testing. Allele origin: germline.

Blueprint Genetics
Classification: Likely benign. Last evaluated: 2021-12-13. Review status: criteria provided, single submitter. Criteria: ACMG Guidelines, 2015. Collection method: clinical testing. Allele origin: germline.

Ambry Genetics
Classification: Likely benign for Cardiovascular phenotype. Last evaluated: 2020-02-04. Review status: criteria provided, single submitter. Criteria: Ambry Variant Classification Scheme 2023. Collection method: clinical testing. Allele origin: germline.

GeneDx
Classification: Likely benign. Last evaluated: 2017-12-05. Review status: criteria provided, single submitter. Criteria: GeneDx Variant Classification (06012015). Collection method: clinical testing. Allele origin: germline. Affected: yes.
Comment: This variant is considered likely benign or benign based on one or more of the following criteria: it is a conservative change, it occurs at a poorly conserved position in the protein, it is predicted to be benign by multiple in silico algorithms, and/or has population frequency not consistent with disease.